The following is an entry in ClinVar:

ClinVar aggregate classification (germline): Likely benign. Review status: criteria provided, single submitter (1 of 4 stars). 2 submissions from 2 submitters: Likely benign (1). 1 of the submissions does not count toward it. Last evaluated 2023-05-18.

Conditions:
ALG11-congenital disorder of glycosylation. Also called: CONGENITAL DISORDER OF GLYCOSYLATION, TYPE Ip; ALG11-CDG. Identifiers: Orphanet 280071, MedGen C3150913, MONDO:0013349, OMIM 613661.
ALG11-related disorder. Also called: ALG11-related condition.

Allele frequency attached by ClinVar (database versions not stated): gnomAD 0.00003; TOPMed 0.00003; ExAC 0.00005; gnomAD exomes 0.00005.
gnomAD v4.1: 80 of 1,613,968 alleles (0.005%); highest among the groups gnomAD compares: Non-Finnish European, 0.0062%; no homozygotes.

Submissions (2):

Labcorp Genetics (formerly Invitae), Labcorp
Classification: Likely benign for ALG11-congenital disorder of glycosylation. Last evaluated: 2023-05-18. Review status: criteria provided, single submitter. Criteria: Invitae Variant Classification Sherloc (09022015). Collection method: clinical testing. Allele origin: germline.

PreventionGenetics, part of Exact Sciences
Classification: Likely benign for ALG11-related condition. Last evaluated: 2019-05-08. Review status: no assertion criteria provided. Collection method: clinical testing. Allele origin: germline. Not counted in ClinVar's aggregate classification.
Comment: This variant is classified as likely benign based on ACMG/AMP sequence variant interpretation guidelines (Richards et al. 2015 PMID: 25741868, with internal and published modifications).

NM_001004127.3(ALG11):c.612C>T (p.Thr204=)

Gene: ALG11 (ALG11 alpha-1,2-mannosyltransferase; plus strand). Cytogenetic location: 13q14.3.
Variant type: single nucleotide variant.
Coding change: c.612C>T on transcript NM_001004127.3 (MANE Select); coding-DNA position 612, C replaced by T.
Protein change: p.Thr204=; no amino-acid change (threonine 204 retained).
Molecular consequence: synonymous variant.
Genome position (GRCh38, 1-based): chr13:52,024,342, C>T. VCF-style: chr13-52024342-C-T. GRCh37 (hg19) VCF-style: chr13-52598478-C-T.
Identifiers: ClinVar variation 2769509 (VCV002769509.5), dbSNP rs765827190, ClinGen allele CA6989939.